The following is an entry in ClinVar:

ClinVar aggregate classification (germline): Uncertain significance. Review status: criteria provided, multiple submitters, no conflicts (2 of 4 stars). 2 submissions from 2 submitters: Uncertain significance (2). Last evaluated 2025-10-06.

Conditions:
Multiple endocrine neoplasia type 4. Also called: MULTIPLE ENDOCRINE NEOPLASIA, TYPE IV. Identifiers: Orphanet 276152, MedGen C1970712, MONDO:0012552, OMIM 610755.
Hereditary cancer-predisposing syndrome. Also called: Hereditary neoplastic syndrome; Hereditary Cancer Syndrome; Tumor predisposition; Neoplastic Syndromes, Hereditary. Identifiers: Orphanet 140162, MedGen C0027672, MeSH D009386, MONDO:0015356.

Submissions (2):

Labcorp Genetics (formerly Invitae), Labcorp
Classification: Uncertain significance for Multiple endocrine neoplasia type 4. Last evaluated: 2025-10-06. Review status: criteria provided, single submitter. Criteria: Invitae Variant Classification Sherloc (09022015). Collection method: clinical testing. Allele origin: germline.
Comment: This sequence change replaces alanine, which is neutral and non-polar, with threonine, which is neutral and polar, at codon 145 of the CDKN1B protein (p.Ala145Thr). This variant is not present in population databases (gnomAD no frequency). This variant has not been reported in the literature in individuals affected with CDKN1B-related conditions. ClinVar contains an entry for this variant (Variation ID: 968579). An algorithm developed to predict the effect of missense changes on protein structure and function (PolyPhen-2) suggests that this variant is likely to be disruptive. In summary, the available evidence is currently insufficient to determine the role of this variant in disease. Therefore, it has been classified as a Variant of Uncertain Significance.

Ambry Genetics
Classification: Uncertain significance for Hereditary cancer-predisposing syndrome. Last evaluated: 2024-07-31. Review status: criteria provided, single submitter. Criteria: Ambry Variant Classification Scheme 2023. Collection method: clinical testing. Allele origin: germline.
Comment: The p.A145T variant (also known as c.433G>A), located in coding exon 1 of the CDKN1B gene, results from a G to A substitution at nucleotide position 433. The alanine at codon 145 is replaced by threonine, an amino acid with similar properties. This amino acid position is conserved. In addition, this alteration is predicted to be tolerated by in silico analysis. Since supporting evidence is limited at this time, the clinical significance of this alteration remains unclear.

NM_004064.5(CDKN1B):c.433G>A (p.Ala145Thr)

Gene: CDKN1B (cyclin dependent kinase inhibitor 1B; plus strand). Cytogenetic location: 12p13.1.
Variant type: single nucleotide variant.
Coding change: c.433G>A on transcript NM_004064.5 (MANE Select); coding-DNA position 433, G replaced by A.
Protein change: p.Ala145Thr; replaces alanine 145 with threonine.
Molecular consequence: missense variant.
Genome position (GRCh38, 1-based): chr12:12,718,272, G>A. VCF-style: chr12-12718272-G-A. GRCh37 (hg19) VCF-style: chr12-12871206-G-A.
Other names: short protein forms A145T.
Identifiers: ClinVar variation 968579 (VCV000968579.13), dbSNP rs1946499246, ClinGen allele CA383970756.